The following is an entry in ClinVar:

ClinVar aggregate classification (germline): Uncertain significance (1 of 4 stars; one submission).

Submission:

Labcorp Genetics (formerly Invitae), Labcorp
Classification: Uncertain significance. Last evaluated: 2020-08-07. Review status: criteria provided, single submitter. Criteria: Invitae Variant Classification Sherloc (09022015). Collection method: clinical testing. Allele origin: germline.
Comment: In summary, the available evidence is currently insufficient to determine the role of this variant in disease. Therefore, it has been classified as a Variant of Uncertain Significance. Algorithms developed to predict the effect of missense changes on protein structure and function are either unavailable or do not agree on the potential impact of this missense change (SIFT: "Deleterious"; PolyPhen-2: "Probably Damaging"; Align-GVGD: "Class C0"). This variant has not been reported in the literature in individuals with MTTP-related conditions. This variant is not present in population databases (ExAC no frequency). This sequence change replaces methionine with threonine at codon 714 of the MTTP protein (p.Met714Thr). The methionine residue is highly conserved and there is a moderate physicochemical difference between methionine and threonine.

NM_001386140.1(MTTP):c.2141T>C (p.Met714Thr)

Gene: MTTP (microsomal triglyceride transfer protein; plus strand). Cytogenetic location: 4q23.
Variant type: single nucleotide variant.
Coding change: c.2141T>C on transcript NM_001386140.1 (MANE Select); coding-DNA position 2141, T replaced by C.
Protein change: p.Met714Thr; replaces methionine 714 with threonine.
Molecular consequence: missense variant.
Genome position (GRCh38, 1-based): chr4:99,613,064, T>C. VCF-style: chr4-99613064-T-C. GRCh37 (hg19) VCF-style: chr4-100534221-T-C.
Other names: c.2141T>C, p.Met714Thr (NM_000253.4); c.1892T>C, p.Met631Thr (NM_001300785.2); short protein forms M631T, M714T.
Identifiers: ClinVar variation 1018037 (VCV001018037.5), dbSNP rs906693684, ClinGen allele CA102644873.